The following is an entry in ClinVar:

NM_020884.7(MYH7B):c.2875A>G (p.Lys959Glu)

Gene: MYH7B (myosin heavy chain 7B; plus strand). Cytogenetic location: 20q11.22.
Variant type: single nucleotide variant.
Coding change: c.2875A>G on transcript NM_020884.7 (MANE Select); coding-DNA position 2875, A replaced by G.
Protein change: p.Lys959Glu; replaces lysine 959 with glutamic acid.
Molecular consequence: missense variant.
Genome position (GRCh38, 1-based): chr20:34,995,510, A>G. VCF-style: chr20-34995510-A-G. GRCh37 (hg19) VCF-style: chr20-33583313-A-G.
Other names: short protein forms K959E.
Identifiers: ClinVar variation 2778940 (VCV002778940.3), dbSNP rs2519203941, ClinGen allele CA408708499.
Genomic context (GRCh38, chr20:34,995,510, plus strand): 5'-GTGAACGCTGACCTGGCCGCCCGCCGGCGCAAGCTGGAGGACGAGTGCACGGAGCTCAAG[A>G]AGGACATTGATGACCTGGAGCTGACACTGGCCAAAGCTGAGAAGGAGAAGCAAGCCACTG-3'
Protein context (NP_065935.4, residues 949-969): KLEDECTELK[Lys959Glu]DIDDLELTLA

ClinVar aggregate classification (germline): Uncertain significance (1 of 4 stars; one submission).

Allele frequency attached by ClinVar (database versions not stated): gnomAD exomes below 0.00001.
gnomAD v4.1: 2 of 1,614,176 alleles (0.00012%); highest among the groups gnomAD compares: Non-Finnish European, 0.00017%; no homozygotes.

Submission:

Labcorp Genetics (formerly Invitae), Labcorp
Classification: Uncertain significance. Last evaluated: 2023-08-10. Review status: criteria provided, single submitter. Criteria: Invitae Variant Classification Sherloc (09022015). Collection method: clinical testing. Allele origin: germline.
Comment: This variant is not present in population databases (gnomAD no frequency). This variant has not been reported in the literature in individuals affected with MYH7B-related conditions. Advanced modeling of protein sequence and biophysical properties (such as structural, functional, and spatial information, amino acid conservation, physicochemical variation, residue mobility, and thermodynamic stability) performed at Invitae indicates that this missense variant is not expected to disrupt MYH7B protein function. In summary, the available evidence is currently insufficient to determine the role of this variant in disease. Therefore, it has been classified as a Variant of Uncertain Significance. This sequence change replaces lysine, which is basic and polar, with glutamic acid, which is acidic and polar, at codon 1001 of the MYH7B protein (p.Lys1001Glu).